The following is an entry in ClinVar:

NM_024513.4(FYCO1):c.*21C>T

Gene: FYCO1 (FYVE and coiled-coil domain autophagy adaptor 1; minus strand). Cytogenetic location: 3p21.31.
Variant type: single nucleotide variant.
Coding change: c.*21C>T on transcript NM_024513.4 (MANE Select); 21 bases downstream of the stop codon, C replaced by T.
Molecular consequence: 3 prime UTR variant.
Genome position (GRCh38, 1-based): chr3:45,921,744, G>A on the plus strand (C>T on the coding strand, the complement: FYCO1 is on the minus strand). VCF-style: chr3-45921744-G-A. GRCh37 (hg19) VCF-style: chr3-45963236-G-A.
Identifiers: ClinVar variation 345492 (VCV000345492.5), dbSNP rs145828463, ClinGen allele CA2352292.

ClinVar aggregate classification (germline): Benign (1 of 4 stars; one submission).

Conditions:
Cataract 18 (CATC2). Also called: CATARACT 18, AUTOSOMAL RECESSIVE. Identifiers: Orphanet 91492, Orphanet 98991, Orphanet 98992, Orphanet 98995, MedGen C1864908, MONDO:0012395, OMIM 610019.

Allele frequency attached by ClinVar (database versions not stated): gnomAD exomes 0.00035 and 0.00098; ExAC 0.00117; ESP Exome Variant Server 0.00308; gnomAD 0.00393 and 0.00422; 1000 Genomes Project 30x 0.00406; 1000 Genomes Project 0.00419; TOPMed 0.00443.

Submission:

Illumina Laboratory Services, Illumina
Classification: Benign for Cataract 18. Last evaluated: 2018-01-13. Review status: criteria provided, single submitter. Criteria: ICSL Variant Classification Criteria 13 December 2019. Collection method: clinical testing. Allele origin: germline.
Comment: This variant was observed in the ICSL laboratory as part of a predisposition screen in an ostensibly healthy population. It had not been previously curated by ICSL or reported in the Human Gene Mutation Database (HGMD: prior to June 1st, 2018), and was therefore a candidate for classification through an automated scoring system. Utilizing variant allele frequency, disease prevalence and penetrance estimates, and inheritance mode, an automated score was calculated to assess if this variant is too frequent to cause the disease. Based on the score and internal cut-off values, a variant classified as benign is not then subjected to further curation. The score for this variant resulted in a classification of benign for this disease.